The following is an entry in ClinVar:

NM_007186.6(CEP250):c.2977G>T (p.Ala993Ser)

Gene: CEP250 (centrosomal protein 250; plus strand). Cytogenetic location: 20q11.22.
Variant type: single nucleotide variant.
Coding change: c.2977G>T on transcript NM_007186.6 (MANE Select); coding-DNA position 2977, G replaced by T.
Protein change: p.Ala993Ser; replaces alanine 993 with serine.
Molecular consequence: missense variant.
Genome position (GRCh38, 1-based): chr20:35,493,516, G>T. VCF-style: chr20-35493516-G-T. GRCh37 (hg19) VCF-style: chr20-34081343-G-T.
Other names: c.1081G>T, p.Ala361Ser (NM_001318219.1); short protein forms A361S, A993S.
Identifiers: ClinVar variation 3622915 (VCV003622915.2).
Genomic context (GRCh38, chr20:35,493,516, plus strand): 5'-CTCCAGGAGGCTCAACGGGAGCTGAAGGAGGCAGCCCGGCAGCACAGAGATGACCTTGCT[G>T]CCCTCCAAGAAGAGAGCAGCTCCCTGCTGCAGGATAAGATGGACCTGCAGAAGCAGGTCC-3'
Protein context (NP_009117.2, residues 983-1003): AARQHRDDLA[Ala993Ser]LQEESSSLLQ

ClinVar aggregate classification (germline): Uncertain significance (1 of 4 stars; one submission).

Submission:

Labcorp Genetics (formerly Invitae), Labcorp
Classification: Uncertain significance. Last evaluated: 2024-06-26. Review status: criteria provided, single submitter. Criteria: Invitae Variant Classification Sherloc (09022015). Collection method: clinical testing. Allele origin: germline.
Comment: This sequence change replaces alanine, which is neutral and non-polar, with serine, which is neutral and polar, at codon 993 of the CEP250 protein (p.Ala993Ser). This variant is not present in population databases (gnomAD no frequency). This variant has not been reported in the literature in individuals affected with CEP250-related conditions. An algorithm developed to predict the effect of missense changes on protein structure and function (PolyPhen-2) suggests that this variant is likely to be tolerated. In summary, the available evidence is currently insufficient to determine the role of this variant in disease. Therefore, it has been classified as a Variant of Uncertain Significance.